The following is an entry in ClinVar:

NM_012199.5(AGO1):c.496C>T (p.His166Tyr)

Gene: AGO1 (argonaute RISC component 1; plus strand). Cytogenetic location: 1p34.3.
Variant type: single nucleotide variant.
Coding change: c.496C>T on transcript NM_012199.5 (MANE Select); coding-DNA position 496, C replaced by T.
Protein change: p.His166Tyr; replaces histidine 166 with tyrosine.
Molecular consequence: missense variant.
Genome position (GRCh38, 1-based): chr1:35,893,262, C>T. VCF-style: chr1-35893262-C-T. GRCh37 (hg19) VCF-style: chr1-36358863-C-T.
Other names: c.496C>T, p.His166Tyr (NM_001317122.2); c.271C>T, p.His91Tyr (NM_001317123.2); short protein forms H166Y, H91Y.
Identifiers: ClinVar variation 2630643 (VCV002630643.1), dbSNP rs2523838519, ClinGen allele CA339366870.

ClinVar aggregate classification (germline): Uncertain significance (1 of 4 stars; one submission).

Conditions:
AGO1-related disorder. Also called: AGO1-related condition.

Submission:

PreventionGenetics, part of Exact Sciences
Classification: Uncertain significance for AGO1-related condition. Last evaluated: 2023-03-24. Review status: criteria provided, single submitter. Criteria: ACMG Guidelines, 2015. Collection method: clinical testing. Allele origin: germline.
Comment: The AGO1 c.496C>T variant is predicted to result in the amino acid substitution p.His166Tyr. To our knowledge, this variant has not been reported in the literature or in a large population database, indicating this variant is rare. At this time, the clinical significance of this variant is uncertain due to the absence of conclusive functional and genetic evidence.